The following is an entry in ClinVar:

NM_001378454.1(ALMS1):c.9781+1G>C

Gene: ALMS1 (ALMS1 centrosome and basal body associated protein; plus strand). Cytogenetic location: 2p13.1.
Variant type: single nucleotide variant.
Coding change: c.9781+1G>C on transcript NM_001378454.1 (MANE Select); the canonical splice donor site of the intron after coding-DNA position 9781, G replaced by C.
Molecular consequence: splice donor variant.
Genome position (GRCh38, 1-based): chr2:73,520,017, G>C. VCF-style: chr2-73520017-G-C. GRCh37 (hg19) VCF-style: chr2-73747144-G-C.
Other names: c.9781+1G>C (NM_015120.4).
Identifiers: ClinVar variation 2025177 (VCV002025177.4), dbSNP rs2466304186, ClinGen allele CA347281455.

ClinVar aggregate classification (germline): Likely pathogenic (1 of 4 stars; one submission).

Conditions:
Alstrom syndrome (ALMS). Identifiers: Orphanet 64, MedGen C0268425, MONDO:0008763, OMIM 203800.

Submission:

Labcorp Genetics (formerly Invitae), Labcorp
Classification: Likely pathogenic for Alstrom syndrome. Last evaluated: 2022-10-17. Review status: criteria provided, single submitter. Criteria: Invitae Variant Classification Sherloc (09022015). Collection method: clinical testing. Allele origin: germline.
Comment: This sequence change affects a donor splice site in intron 11 of the ALMS1 gene. It is expected to disrupt RNA splicing. Variants that disrupt the donor or acceptor splice site typically lead to a loss of protein function (PMID: 16199547), and loss-of-function variants in ALMS1 are known to be pathogenic (PMID: 17594715). This variant is not present in population databases (gnomAD no frequency). This variant has not been reported in the literature in individuals affected with ALMS1-related conditions. Algorithms developed to predict the effect of sequence changes on RNA splicing suggest that this variant may disrupt the consensus splice site. In summary, the currently available evidence indicates that the variant is pathogenic, but additional data are needed to prove that conclusively. Therefore, this variant has been classified as Likely Pathogenic.

Literature cited by the submitters: PubMed 16199547; PubMed 17594715.